The following is an entry in ClinVar:

NM_032043.3(BRIP1):c.2484C>T (p.Ala828=)

Gene: BRIP1 (BRCA1 interacting DNA helicase 1; minus strand). Cytogenetic location: 17q23.2.
Variant type: single nucleotide variant.
Coding change: c.2484C>T on transcript NM_032043.3 (MANE Select); coding-DNA position 2484, C replaced by T.
Protein change: p.Ala828=; no amino-acid change (alanine 828 retained).
Molecular consequence: synonymous variant.
Genome position (GRCh38, 1-based): chr17:61,715,959, G>A on the plus strand (C>T on the coding strand, the complement: BRIP1 is on the minus strand). VCF-style: chr17-61715959-G-A. GRCh37 (hg19) VCF-style: chr17-59793320-G-A.
Identifiers: ClinVar variation 1603708 (VCV001603708.12), dbSNP rs1277187413, ClinGen allele CA501150471.

ClinVar aggregate classification (germline): Benign/Likely benign. Review status: criteria provided, multiple submitters, no conflicts (2 of 4 stars). 3 submissions from 3 submitters: Benign (1); Likely benign (2). Last evaluated 2025-11-12.

Conditions:
Familial cancer of breast. Also called: hereditary breast carcinoma; Hereditary breast cancer; BREAST CANCER, FAMILIAL. Identifiers: Orphanet 227535, MedGen C0346153, MONDO:0016419, OMIM 114480. Disease mechanism: loss of function.
Fanconi anemia complementation group J. Also called: BRIP1-Related Fanconi Anemia. Identifiers: Orphanet 84, MedGen C1836860, MONDO:0012187, OMIM 609054.
Hereditary cancer-predisposing syndrome. Also called: Hereditary neoplastic syndrome; Hereditary Cancer Syndrome; Neoplastic Syndromes, Hereditary; Tumor predisposition. Identifiers: Orphanet 140162, MedGen C0027672, MeSH D009386, MONDO:0015356.

gnomAD v4.1: 1 of 1,590,864 alleles (0.000063%); no homozygotes.

Submissions (3):

Labcorp Genetics (formerly Invitae), Labcorp
Classification: Likely benign for Familial cancer of breast; Fanconi anemia complementation group J. Last evaluated: 2025-11-12. Review status: criteria provided, single submitter. Criteria: Invitae Variant Classification Sherloc (09022015). Collection method: clinical testing. Allele origin: germline.

Myriad Genetics, Inc.
Classification: Benign for Familial cancer of breast. Last evaluated: 2024-09-05. Review status: criteria provided, single submitter. Criteria: Myriad Autosomal Dominant, Autosomal Recessive and X-Linked Classification Criteria (2023). Collection method: clinical testing. Allele origin: unknown.
Comment: This variant is considered benign. This variant is a silent/synonymous amino acid change and it is not expected to impact splicing.

Ambry Genetics
Classification: Likely benign for Hereditary cancer-predisposing syndrome. Last evaluated: 2017-11-09. Review status: criteria provided, single submitter. Criteria: Ambry Variant Classification Scheme 2023. Collection method: clinical testing. Allele origin: germline.